The following is an entry in ClinVar:

NM_004260.4(RECQL4):c.3485G>A (p.Arg1162His)

Gene: RECQL4 (RecQ like helicase 4; minus strand). Cytogenetic location: 8q24.3.
Variant type: single nucleotide variant.
Coding change: c.3485G>A on transcript NM_004260.4 (MANE Select); coding-DNA position 3485, G replaced by A.
Protein change: p.Arg1162His; replaces arginine 1162 with histidine.
Molecular consequence: missense variant.
Genome position (GRCh38, 1-based): chr8:144,511,698, C>T on the plus strand (G>A on the coding strand, the complement: RECQL4 is on the minus strand). VCF-style: chr8-144511698-C-T. GRCh37 (hg19) VCF-style: chr8-145737081-C-T.
Other names: short protein forms R1162H.
Identifiers: ClinVar variation 662442 (VCV000662442.7), dbSNP rs747815189, ClinGen allele CA4947720.

ClinVar aggregate classification (germline): Uncertain significance (1 of 4 stars; one submission).

Conditions:
Baller-Gerold syndrome (BGS). Also called: CRANIOSYNOSTOSIS WITH RADIAL DEFECTS. Identifiers: Orphanet 1225, MedGen C0265308, MONDO:0009039, OMIM 218600.

Allele frequency attached by ClinVar (database versions not stated): gnomAD 0.00003; TOPMed 0.00004.

Submission:

Labcorp Genetics (formerly Invitae), Labcorp
Classification: Uncertain significance for Baller-Gerold syndrome. Last evaluated: 2025-09-28. Review status: criteria provided, single submitter. Criteria: Invitae Variant Classification Sherloc (09022015). Collection method: clinical testing. Allele origin: germline.
Comment: This sequence change replaces arginine, which is basic and polar, with histidine, which is basic and polar, at codon 1162 of the RECQL4 protein (p.Arg1162His). This variant is present in population databases (rs747815189, gnomAD 0.006%). This variant has not been reported in the literature in individuals affected with RECQL4-related conditions. ClinVar contains an entry for this variant (Variation ID: 662442). Invitae Evidence Modeling of protein sequence and biophysical properties (such as structural, functional, and spatial information, amino acid conservation, physicochemical variation, residue mobility, and thermodynamic stability) indicates that this missense variant is expected to disrupt RECQL4 protein function with a positive predictive value of 80%. In summary, the available evidence is currently insufficient to determine the role of this variant in disease. Therefore, it has been classified as a Variant of Uncertain Significance.